The following is an entry in ClinVar:

ClinVar aggregate classification (germline): Uncertain significance (1 of 4 stars; one submission).

Conditions:
Amyotrophic lateral sclerosis type 6. Also called: FUS-Related Amyotrophic Laterial Sclerosis; AMYOTROPHIC LATERAL SCLEROSIS 6 WITHOUT FRONTOTEMPORAL DEMENTIA; Amyotrophic lateral sclerosis 6, with or without frontotemporal dementia. Identifiers: Orphanet 275872, Orphanet 803, MedGen C2931786, MONDO:0011951, OMIM 608030.
Tremor, hereditary essential, 4 (ETM4). Identifiers: MedGen C3539195, MONDO:0013888, OMIM 614782.

Submission:

Labcorp Genetics (formerly Invitae), Labcorp
Classification: Uncertain significance for Tremor, hereditary essential, 4; Amyotrophic lateral sclerosis type 6. Last evaluated: 2022-03-18. Review status: criteria provided, single submitter. Criteria: Invitae Variant Classification Sherloc (09022015). Collection method: clinical testing. Allele origin: germline.
Comment: This variant, c.654_662dup, results in the insertion of 3 amino acid(s) of the FUS protein (p.Arg218_Gly220dup), but otherwise preserves the integrity of the reading frame. This variant is present in population databases (no rsID available, gnomAD 0.003%). This variant has not been reported in the literature in individuals affected with FUS-related conditions. In summary, the available evidence is currently insufficient to determine the role of this variant in disease. Therefore, it has been classified as a Variant of Uncertain Significance.

NM_004960.4(FUS):c.654_662dup (p.Gly220_Ser221insArgGlyGly)

Gene: FUS (FUS RNA binding protein; plus strand). Cytogenetic location: 16p11.2.
Variant type: Duplication.
Coding change: c.654_662dup on transcript NM_004960.4 (MANE Select); coding-DNA positions 654 to 662, 9 bases duplicated (GGGTGGCAG; older notation c.654_662dupGGGTGGCAG).
Protein change: p.Gly220_Ser221insArgGlyGly.
Molecular consequence: inframe insertion. On other transcripts: non-coding transcript variant (1).
Genome position (GRCh38, 1-based): chr16:31,185,069-31,185,077, GGGTGGCAG duplicated; duplicating any 9 consecutive bases within chr16:31,185,064-31,185,077 gives the same sequence; the c. name uses the placement nearest the transcript's 3' end. VCF-style (leftmost placement, unchanged base first): chr16-31185063-C-CGGCAGGGGT. GRCh37 (hg19) VCF-style: chr16-31196384-C-CGGCAGGGGT.
Other names: c.651_659dup, p.Gly219_Ser220insArgGlyGly (NM_001170634.1); c.642_650dup, p.Gly216_Ser217insArgGlyGly (NM_001170937.1).
Identifiers: ClinVar variation 2200500 (VCV002200500.4), dbSNP rs1567472342, ClinGen allele CA622172607.